The following is an entry in ClinVar:

NM_014974.3(DIP2C):c.4476A>C (p.Glu1492Asp)

Gene: DIP2C (DIP2 acetate--CoA ligase C (putative); minus strand). Cytogenetic location: 10p15.3.
Variant type: single nucleotide variant.
Coding change: c.4476A>C on transcript NM_014974.3 (MANE Select); coding-DNA position 4476, A replaced by C.
Protein change: p.Glu1492Asp; replaces glutamic acid 1492 with aspartic acid.
Molecular consequence: missense variant.
Genome position (GRCh38, 1-based): chr10:277,520, T>G on the plus strand (A>C on the coding strand, the complement: DIP2C is on the minus strand). VCF-style: chr10-277520-T-G. GRCh37 (hg19) VCF-style: chr10-323460-T-G.
Other names: short protein forms E1492D.
Identifiers: ClinVar variation 1502627 (VCV001502627.6), dbSNP rs1415394091, ClinGen allele CA375826290.

ClinVar aggregate classification (germline): Uncertain significance (1 of 4 stars; one submission).

Submission:

Labcorp Genetics (formerly Invitae), Labcorp
Classification: Uncertain significance. Last evaluated: 2021-09-01. Review status: criteria provided, single submitter. Criteria: Invitae Variant Classification Sherloc (09022015). Collection method: clinical testing. Allele origin: germline.
Comment: This variant is not present in population databases (ExAC no frequency). This sequence change replaces glutamic acid with aspartic acid at codon 1492 of the DIP2C protein (p.Glu1492Asp). The glutamic acid residue is highly conserved and there is a small physicochemical difference between glutamic acid and aspartic acid. This variant has not been reported in the literature in individuals affected with DIP2C-related conditions. Algorithms developed to predict the effect of missense changes on protein structure and function are either unavailable or do not agree on the potential impact of this missense change (SIFT: "Tolerated"; PolyPhen-2: "Probably Damaging"; Align-GVGD: "Class C0"). In summary, the available evidence is currently insufficient to determine the role of this variant in disease. Therefore, it has been classified as a Variant of Uncertain Significance.